The following is an entry in ClinVar:

NM_005121.3(MED13):c.5167C>T (p.Arg1723Trp)

Gene: MED13 (mediator complex subunit 13; minus strand). Cytogenetic location: 17q23.2.
Variant type: single nucleotide variant.
Coding change: c.5167C>T on transcript NM_005121.3 (MANE Select); coding-DNA position 5167, C replaced by T.
Protein change: p.Arg1723Trp; replaces arginine 1723 with tryptophan.
Molecular consequence: missense variant.
Genome position (GRCh38, 1-based): chr17:61,961,677, G>A on the plus strand (C>T on the coding strand, the complement: MED13 is on the minus strand). VCF-style: chr17-61961677-G-A. GRCh37 (hg19) VCF-style: chr17-60039038-G-A.
Other names: short protein forms R1723W.
Identifiers: ClinVar variation 5024245 (VCV005024245.1).

ClinVar aggregate classification (germline): Uncertain significance (1 of 4 stars; one submission).

Conditions:
Inborn genetic diseases. Identifiers: MedGen C0950123, MeSH D030342.

gnomAD v4.1: 17 of 1,613,950 alleles (0.0011%); highest among the groups gnomAD compares: Non-Finnish European, 0.0014%; no homozygotes.

Submission:

Ambry Genetics
Classification: Uncertain significance for Inborn genetic diseases. Last evaluated: 2026-06-17. Review status: criteria provided, single submitter. Criteria: Ambry Variant Classification Scheme 2023. Collection method: clinical testing. Allele origin: germline.
Comment: The c.5167C>T (p.R1723W) alteration is located in exon 22 (coding exon 22) of the MED13 gene. This alteration results from a C to T substitution at nucleotide position 5167, causing the arginine (R) at amino acid position 1723 to be replaced by a tryptophan (W). Based on data from gnomAD, the T allele has an overall frequency of 0.001% (2/280950) total alleles studied. The highest observed frequency was 0.002% (2/128700) of European (non-Finnish) alleles. Based on insufficient or conflicting evidence, the clinical significance of this alteration remains unclear.